The following is an entry in ClinVar:

ClinVar aggregate classification (germline): Uncertain significance (1 of 4 stars; one submission).

Conditions:
T-B+ severe combined immunodeficiency due to JAK3 deficiency. Also called: SCID, T CELL-NEGATIVE, B CELL-POSITIVE, NK CELL-NEGATIVE; SCID, autosomal recessive, T-negative/B-positive type. Identifiers: Orphanet 35078, MedGen C1833275, MONDO:0010938, OMIM 600802.

Allele frequency attached by ClinVar (database versions not stated): TOPMed 0.00001.

Submission:

Labcorp Genetics (formerly Invitae), Labcorp
Classification: Uncertain significance for T-B+ severe combined immunodeficiency due to JAK3 deficiency. Last evaluated: 2023-08-17. Review status: criteria provided, single submitter. Criteria: Invitae Variant Classification Sherloc (09022015). Collection method: clinical testing. Allele origin: germline.
Comment: This sequence change replaces arginine, which is basic and polar, with serine, which is neutral and polar, at codon 149 of the JAK3 protein (p.Arg149Ser). This variant has not been reported in the literature in individuals affected with JAK3-related conditions. The frequency data for this variant in the population databases is considered unreliable, as metrics indicate poor data quality at this position in the gnomAD database. ClinVar contains an entry for this variant (Variation ID: 1519189). In summary, the available evidence is currently insufficient to determine the role of this variant in disease. Therefore, it has been classified as a Variant of Uncertain Significance. An algorithm developed to predict the effect of missense changes on protein structure and function (PolyPhen-2) suggests that this variant is likely to be disruptive.

NM_000215.4(JAK3):c.445C>A (p.Arg149Ser)

Gene: JAK3 (Janus kinase 3; minus strand). Cytogenetic location: 19p13.11.
Variant type: single nucleotide variant.
Coding change: c.445C>A on transcript NM_000215.4 (MANE Select); coding-DNA position 445, C replaced by A.
Protein change: p.Arg149Ser; replaces arginine 149 with serine.
Molecular consequence: missense variant.
Genome position (GRCh38, 1-based): chr19:17,843,148, G>T on the plus strand (C>A on the coding strand, the complement: JAK3 is on the minus strand). VCF-style: chr19-17843148-G-T. GRCh37 (hg19) VCF-style: chr19-17953957-G-T.
Other names: short protein forms R149S.
Identifiers: ClinVar variation 1519189 (VCV001519189.6), dbSNP rs1342240526, ClinGen allele CA404773380.
Genomic context (GRCh38, chr19:17,843,148, plus strand): 5'-CCAACACGGCCAGGCTGAGACACTCACCCTGCTCCTTGAGACTGAGGCCCACGGGGAGGC[G>T]CCCACTCACCAGGTCACTGCGGTGCTGGGGGGCCGCCACAGGGAGCATCAGCTGAGGCCA-3'
Protein context (NP_000206.2, residues 139-159): AQHRSDLVSG[Arg149Ser]LPVGLSLKEQ